The following is an entry in ClinVar:

ClinVar aggregate classification (germline): Likely benign. Review status: criteria provided, multiple submitters, no conflicts (2 of 4 stars). 2 submissions from 2 submitters: Likely benign (2). Last evaluated 2023-08-29.

Conditions:
LAMA2-related muscular dystrophy (LAMA2-RD). Also called: Laminin alpha 2-related dystrophy. Identifiers: MedGen C5679788, MONDO:0100228.

Allele frequency attached by ClinVar (database versions not stated): gnomAD 0.00001; gnomAD exomes 0.00001 and 0.00006; ExAC 0.00003; TOPMed 0.00003.
gnomAD v4.1: 22 of 1,613,386 alleles (0.0014%); highest among the groups gnomAD compares: Admixed American, 0.035%; no homozygotes.

Submissions (2):

Labcorp Genetics (formerly Invitae), Labcorp
Classification: Likely benign for LAMA2-related muscular dystrophy. Last evaluated: 2023-08-29. Review status: criteria provided, single submitter. Criteria: Invitae Variant Classification Sherloc (09022015). Collection method: clinical testing. Allele origin: germline.

GeneDx
Classification: Likely benign. Last evaluated: 2016-06-06. Review status: criteria provided, single submitter. Criteria: GeneDx Variant Classification (06012015). Collection method: clinical testing. Allele origin: germline. Affected: yes.
Comment: This variant is considered likely benign or benign based on one or more of the following criteria: it is a conservative change, it occurs at a poorly conserved position in the protein, it is predicted to be benign by multiple in silico algorithms, and/or has population frequency not consistent with disease.

NM_000426.4(LAMA2):c.4857A>G (p.Leu1619=)

Gene: LAMA2 (laminin subunit alpha 2; plus strand). Cytogenetic location: 6q22.33.
Variant type: single nucleotide variant.
Coding change: c.4857A>G on transcript NM_000426.4 (MANE Select); coding-DNA position 4857, A replaced by G.
Protein change: p.Leu1619=; no amino-acid change (leucine 1619 retained).
Molecular consequence: synonymous variant.
Genome position (GRCh38, 1-based): chr6:129,366,358, A>G. VCF-style: chr6-129366358-A-G. GRCh37 (hg19) VCF-style: chr6-129687503-A-G.
Other names: c.4857A>G, p.Leu1619= (NM_001079823.2).
Identifiers: ClinVar variation 386395 (VCV000386395.11), dbSNP rs777158791, ClinGen allele CA3993684.